The following is an entry in ClinVar:

ClinVar aggregate classification (germline): Uncertain significance (1 of 4 stars; one submission).

Conditions:
Singleton-Merten syndrome 1 (SGMRT1). Also called: Widened medullary cavities of bone, aortic calcification, abnormal dentition, and muscular weakness; Syndrome of widened medullary cavities of the metacarpals and phalanges, aortic calcification and abnormal dentition. Identifiers: Orphanet 85191, MedGen C4225427, MONDO:0024535, OMIM 182250.
Aicardi-Goutieres syndrome 7 (AGS7). Identifiers: Orphanet 51, MedGen C3888244, MONDO:0014367, OMIM 615846.

gnomAD v4.1: 1 of 1,610,032 alleles (0.000062%); no homozygotes.

Submission:

Labcorp Genetics (formerly Invitae), Labcorp
Classification: Uncertain significance for Aicardi-Goutieres syndrome 7; Singleton-Merten syndrome 1. Last evaluated: 2024-10-07. Review status: criteria provided, single submitter. Criteria: Invitae Variant Classification Sherloc (09022015). Collection method: clinical testing. Allele origin: germline.
Comment: This sequence change replaces asparagine, which is neutral and polar, with serine, which is neutral and polar, at codon 3 of the IFIH1 protein (p.Asn3Ser). This variant is not present in population databases (gnomAD no frequency). This variant has not been reported in the literature in individuals affected with IFIH1-related conditions. ClinVar contains an entry for this variant (Variation ID: 1346727). An algorithm developed to predict the effect of missense changes on protein structure and function outputs the following: PolyPhen-2: "Benign". The serine amino acid residue is found in multiple mammalian species, which suggests that this missense change does not adversely affect protein function. In summary, the available evidence is currently insufficient to determine the role of this variant in disease. Therefore, it has been classified as a Variant of Uncertain Significance.

NM_022168.4(IFIH1):c.8A>G (p.Asn3Ser)

Gene: IFIH1 (interferon induced with helicase C domain 1; minus strand). Cytogenetic location: 2q24.2.
Variant type: single nucleotide variant.
Coding change: c.8A>G on transcript NM_022168.4 (MANE Select); coding-DNA position 8, A replaced by G.
Protein change: p.Asn3Ser; replaces asparagine 3 with serine.
Molecular consequence: missense variant.
Genome position (GRCh38, 1-based): chr2:162,318,300, T>C on the plus strand (A>G on the coding strand, the complement: IFIH1 is on the minus strand). VCF-style: chr2-162318300-T-C. GRCh37 (hg19) VCF-style: chr2-163174810-T-C.
Other names: short protein forms N3S.
Identifiers: ClinVar variation 1346727 (VCV001346727.8), dbSNP rs2105238788, ClinGen allele CA349015159.
Genomic context (GRCh38, chr2:162,318,300, plus strand): 5'-TTCACCCTGGCCCTGAAGCACGAGATGAGATAGCGGAAATTCTCGTCTGTGGAATACCCA[T>C]TCGACATCTTTCTTTCTCAGAGAAGGGAGAGGGTTCTCCCAAGCAGATGGTGCTGTTGTC-3'
Protein context (NP_071451.2, residues 1-13): MS[Asn3Ser]GYSTDENFRY